The following is an entry in ClinVar:

ClinVar aggregate classification (germline): Pathogenic. Review status: reviewed by expert panel (3 of 4 stars). 7 submissions from 7 submitters: Pathogenic (1). 6 of the submissions do not count toward it. Last evaluated 2013-09-05.

Conditions:
PMS2-related disorder. Also called: PMS2-related condition.
Hereditary nonpolyposis colorectal neoplasms. Identifiers: MedGen C0009405, MeSH D003123.
Hereditary cancer-predisposing syndrome. Also called: Neoplastic Syndromes, Hereditary; Hereditary neoplastic syndrome; Tumor predisposition; Hereditary Cancer Syndrome. Identifiers: Orphanet 140162, MedGen C0027672, MeSH D009386, MONDO:0015356.
Lynch syndrome. Identifiers: Orphanet 144, MedGen C4552100, MONDO:0005835. Disease mechanism: loss of function.
Lynch syndrome 4 (LYNCH4). Also called: Colorectal cancer, hereditary nonpolyposis, type 4; Hereditary non-polyposis colorectal cancer, type 4. Identifiers: Orphanet 144, MedGen C1838333, MONDO:0013699, OMIM 614337. Disease mechanism: loss of function.

Allele frequency attached by ClinVar (database versions not stated): gnomAD exomes below 0.00001.

Submissions (7):

International Society for Gastrointestinal Hereditary Tumours (InSiGHT)
Classification: Pathogenic for Lynch Syndrome. Last evaluated: 2013-09-05. Review status: reviewed by expert panel. Criteria: Guidelines v1.9. Collection method: research. Allele origin: germline.
Comment: Coding sequence variation resulting in a stop codon

Classified with v1.9 guidelines

Ambry Genetics
Classification: Pathogenic for Hereditary cancer-predisposing syndrome. Last evaluated: 2026-03-24. Review status: criteria provided, single submitter. Criteria: Ambry Variant Classification Scheme 2023. Collection method: clinical testing. Allele origin: germline. Not counted in ClinVar's aggregate classification.
Comment: The c.543delT pathogenic mutation, located in coding exon 6 of the PMS2 gene, results from a deletion of one nucleotide at nucleotide position 543, causing a translational frameshift with a predicted alternate stop codon (p.Y181*). This variant has been identified in the homozygous state and/or in conjunction with other PMS2 variant(s) in individual(s) with features consistent with PMS2-related constitutional mismatch repair deficiency (De Vos M et al. J Natl Cancer Inst, 2006 Mar;98:358-61). This variant is expected to result in loss of function by premature protein truncation or nonsense-mediated mRNA decay. As such, this variant is interpreted as a disease-causing mutation.

GeneDx
Classification: Pathogenic. Last evaluated: 2024-09-21. Review status: criteria provided, single submitter. Criteria: GeneDx Variant Classification Process June 2021. Collection method: clinical testing. Allele origin: germline. Affected: yes. Not counted in ClinVar's aggregate classification.
Comment: Nonsense variant predicted to result in protein truncation or nonsense mediated decay in a gene for which loss of function is a known mechanism of disease; Not observed at significant frequency in large population cohorts (gnomAD); This variant is associated with the following publications: (PMID: 29922827, 33084842, 16507833, 30478739)

Swedish National ChiCaP Initative, Genomic Medicine Sweden
Classification: Pathogenic for PMS2-related disorder. Last evaluated: 2024-05-01. Review status: criteria provided, single submitter. Criteria: ACMG Guidelines, 2015. Collection method: clinical testing. Allele origin: biparental. Affected: yes. Not counted in ClinVar's aggregate classification.

Myriad Genetics, Inc.
Classification: Pathogenic for Lynch syndrome 4. Last evaluated: 2023-09-19. Review status: criteria provided, single submitter. Criteria: Myriad Autosomal Dominant, Autosomal Recessive and X-Linked Classification Criteria (2023). Collection method: clinical testing. Allele origin: unknown. Not counted in ClinVar's aggregate classification.
Comment: This variant is considered pathogenic. This variant creates a termination codon and is predicted to result in premature protein truncation.

Labcorp Genetics (formerly Invitae), Labcorp
Classification: Pathogenic for Hereditary nonpolyposis colorectal neoplasms. Last evaluated: 2022-02-25. Review status: criteria provided, single submitter. Criteria: Invitae Variant Classification Sherloc (09022015). Collection method: clinical testing. Allele origin: germline. Not counted in ClinVar's aggregate classification.
Comment: For these reasons, this variant has been classified as Pathogenic. ClinVar contains an entry for this variant (Variation ID: 91358). This premature translational stop signal has been observed in individual(s) with constitutional mismatch repair deficiency syndrome (PMID: 16507833, 30478739). This variant is present in population databases (rs63751029, gnomAD 0.003%). This sequence change creates a premature translational stop signal (p.Tyr181*) in the PMS2 gene. It is expected to result in an absent or disrupted protein product. Loss-of-function variants in PMS2 are known to be pathogenic (PMID: 21376568, 24362816).

Sema4
Classification: Pathogenic for Hereditary cancer-predisposing syndrome. Last evaluated: 2021-11-19. Review status: criteria provided, single submitter. Criteria: Sema4 Curation Guidelines. Collection method: curation. Allele origin: germline. Not counted in ClinVar's aggregate classification.
Comment: The PMS2 c.543delT (p.Y181X) variant has been reported as homozygous in at least one large family with brain tumors due to congenital mismatch repair deficiency (PMID: 16507833, 30478739). This nonsense variant creates a premature stop codon at residue 181 of the PMS2 protein. At this location, this is predicted to cause nonsense-mediated decay and result in an absent protein (loss of function). Loss of function variants in PMS2 are known to be pathogenic (PMID: 24362816). It was observed in 1/30616 chromosomes of the South Asian subpopulation in the large and broad cohorts of the Genome Aggregation Database (PMID: 32461654). The variant has been reported in ClinVar (Variation ID 91358). Based on the current evidence available, this variant is interpreted as pathogenic.

Literature cited by the submitters: PubMed 16507833 (cited by 3 submitters); PubMed 30478739 (cited by Labcorp Genetics (formerly Invitae), Labcorp and Sema4); PubMed 21376568 (cited by Labcorp Genetics (formerly Invitae), Labcorp); PubMed 24362816 (cited by Labcorp Genetics (formerly Invitae), Labcorp and Sema4).

NM_000535.7(PMS2):c.543del (p.Glu180_Tyr181insTer)

Gene: PMS2 (PMS1 homolog 2, mismatch repair system component; minus strand). Cytogenetic location: 7p22.1.
Variant type: Deletion.
Coding change: c.543del on transcript NM_000535.7 (MANE Select); coding-DNA position 543, one base deleted (T; older notation c.543delT).
Protein change: p.Glu180_Tyr181insTer.
Molecular consequence: nonsense. On other transcripts: non-coding transcript variant (1), intron variant (3).
Genome position (GRCh38, 1-based): chr7:5,999,270, A deleted on the plus strand (T on the coding strand, the reverse complement: PMS2 is on the minus strand). VCF-style (leftmost placement, unchanged base first): chr7-5999269-CA-C. GRCh37 (hg19) VCF-style: chr7-6038900-CA-C.
Other names: c.138del, p.Glu45_Tyr46insTer (NM_001322003.2, NM_001322004.2, NM_001322005.2 and 2 more transcripts); c.543del, p.Glu180_Tyr181insTer (NM_001322006.2, NM_001322014.2); c.225del, p.Glu74_Tyr75insTer (NM_001322007.2, NM_001322008.2); c.234del, p.Glu77_Tyr78insTer (NM_001322015.2); c.133-1847del (NM_001322013.2); c.-347-44del (NM_001322012.2, NM_001322011.2).
Identifiers: ClinVar variation 91358 (VCV000091358.13), dbSNP rs63751029, ClinGen allele CA012314.